The following is an entry in ClinVar:

ClinVar aggregate classification (germline): Benign. Review status: criteria provided, multiple submitters, no conflicts (2 of 4 stars). 2 submissions from 2 submitters: Benign (2). Last evaluated 2019-10-16.

Allele frequency attached by ClinVar (database versions not stated): 1000 Genomes Project 30x 0.16896; 1000 Genomes Project 0.17232; gnomAD exomes 0.40909.
gnomAD v4.1: 39,945 of 152,154 alleles (26%); highest among the groups gnomAD compares: Non-Finnish European, 37%; 6,527 homozygotes.

Submissions (2):

GeneDx
Classification: Benign. Last evaluated: 2019-10-16. Review status: criteria provided, single submitter. Criteria: GeneDx Variant Classification Process June 2021. Collection method: clinical testing. Allele origin: germline. Affected: yes.
Comment: This variant is associated with the following publications: (PMID: 30823486)

Breakthrough Genomics
Classification: Benign. Review status: criteria provided, single submitter. Criteria: ACMG Guidelines, 2015. Collection method: not provided. Allele origin: germline. Inheritance: Unknown mechanism. Affected: yes.

NM_003503.4(CDC7):c.-124A>G

Gene: CDC7 (cell division cycle 7; plus strand). Cytogenetic location: 1p22.1.
Variant type: single nucleotide variant.
Coding change: c.-124A>G on transcript NM_003503.4 (MANE Select); 124 bases upstream of the start codon, A replaced by G.
Molecular consequence: 5 prime UTR variant.
Genome position (GRCh38, 1-based): chr1:91,500,888, A>G. VCF-style: chr1-91500888-A-G. GRCh37 (hg19) VCF-style: chr1-91966445-A-G.
Other names: c.-90A>G (NM_001134419.2).
Identifiers: ClinVar variation 1272528 (VCV001272528.2), dbSNP rs13447455, ClinGen allele CA10843855.